The following is an entry in ClinVar:

NM_007294.4(BRCA1):c.3759T>G (p.Ser1253=)

Genes: BRCA1 (BRCA1 DNA repair associated; minus strand), LOC126862571 (BRD4-independent group 4 enhancer GRCh37_chr17:41243136-41244335; plus strand). Cytogenetic location: 17q21.31.
Variant type: single nucleotide variant.
Coding change: c.3759T>G on transcript NM_007294.4 (MANE Select); coding-DNA position 3759, T replaced by G.
Protein change: p.Ser1253=; no amino-acid change (serine 1253 retained).
Molecular consequence: synonymous variant. On other transcripts: intron variant (135).
Genome position (GRCh38, 1-based): chr17:43,091,772, A>C on the plus strand (T>G on the coding strand, the complement: BRCA1 is on the minus strand). VCF-style: chr17-43091772-A-C. GRCh37 (hg19) VCF-style: chr17-41243789-A-C.
Other names: 3878T/G; c.3546T>G, p.Ser1182= (NM_001407571.1, NM_001407853.1, NM_001407894.1 and 9 more transcripts); c.3759T>G, p.Ser1253= (NM_001407581.1, NM_001407582.1, NM_001407583.1 and 30 more transcripts); c.3756T>G, p.Ser1252= (NM_001407587.1, NM_001407590.1, NM_001407591.1 and 22 more transcripts); c.3750T>G, p.Ser1250= (NM_001407646.1, NM_001407647.1); c.3636T>G, p.Ser1212= (NM_001407648.1, NM_001407664.1, NM_001407665.1 and 19 more transcripts); c.3633T>G, p.Ser1211= (NM_001407649.1, NM_001407670.1, NM_001407671.1 and 11 more transcripts); c.3681T>G, p.Ser1227= (NM_001407653.1, NM_001407654.1, NM_001407655.1 and 4 more transcripts); and 42 more.
Identifiers: ClinVar variation 54991 (VCV000054991.19), dbSNP rs80356852, ClinGen allele CA002413.

ClinVar aggregate classification (germline): Likely benign. Review status: reviewed by expert panel (3 of 4 stars). 7 submissions from 7 submitters: Likely benign (1). 6 of the submissions do not count toward it. Last evaluated 2017-06-29.

Conditions:
Hereditary cancer-predisposing syndrome. Also called: Hereditary Cancer Syndrome; Hereditary neoplastic syndrome; Neoplastic Syndromes, Hereditary; Tumor predisposition. Identifiers: Orphanet 140162, MedGen C0027672, MeSH D009386, MONDO:0015356.
Breast-ovarian cancer, familial, susceptibility to, 1 (BROVCA1). Also called: BRCA1 Hereditary Breast and Ovarian Cancer; OVARIAN CANCER, SUSCEPTIBILITY TO. Identifiers: Orphanet 145, MedGen C2676676, MONDO:0011450, OMIM 604370. Disease mechanism: loss of function.
Hereditary breast ovarian cancer syndrome. Also called: BRCA1- and BRCA2-Associated Hereditary Breast and Ovarian Cancer; Hereditary breast and ovarian cancer syndrome; Hereditary breast and ovarian cancer syndrome (HBOC); Breast and ovarian cancer; Hereditary breast and/or ovarian cancer syndrome; Hereditary breast and ovarian cancer. Identifiers: Orphanet 145, MedGen C0677776, MeSH D061325, MONDO:0003582. Disease mechanism: loss of function.

Submissions (7):

Evidence-based Network for the Interpretation of Germline Mutant Alleles (ENIGMA)
Classification: Likely benign for Breast-ovarian cancer, familial, susceptibility to, 1. Last evaluated: 2017-06-29. Review status: reviewed by expert panel. Criteria: ENIGMA BRCA1/2 Classification Criteria (2017-06-29). Collection method: curation. Allele origin: germline.
Comment: Synonymous substitution variant, with low bioinformatic likelihood to result in a splicing aberration (Splicing prior probability 0.02).

Labcorp Genetics (formerly Invitae), Labcorp
Classification: Likely benign for Hereditary breast ovarian cancer syndrome. Last evaluated: 2025-04-18. Review status: criteria provided, single submitter. Criteria: Invitae Variant Classification Sherloc (09022015). Collection method: clinical testing. Allele origin: germline. Not counted in ClinVar's aggregate classification.

Sema4
Classification: Likely benign for Hereditary cancer-predisposing syndrome. Last evaluated: 2022-03-10. Review status: criteria provided, single submitter. Criteria: Sema4 Curation Guidelines. Collection method: curation. Allele origin: germline. Not counted in ClinVar's aggregate classification.

Ambry Genetics
Classification: Likely benign for Hereditary cancer-predisposing syndrome. Last evaluated: 2018-11-23. Review status: criteria provided, single submitter. Criteria: Ambry Variant Classification Scheme 2023. Collection method: clinical testing. Allele origin: germline. Not counted in ClinVar's aggregate classification.

Color Diagnostics, LLC DBA Color Health
Classification: Likely benign for Hereditary cancer-predisposing syndrome. Last evaluated: 2017-08-20. Review status: criteria provided, single submitter. Criteria: ACMG Guidelines, 2015. Collection method: clinical testing. Allele origin: germline. Not counted in ClinVar's aggregate classification.

GeneDx
Classification: Likely benign. Last evaluated: 2016-03-14. Review status: criteria provided, single submitter. Criteria: GeneDx Variant Classification (06012015). Collection method: clinical testing. Allele origin: germline. Affected: yes. Not counted in ClinVar's aggregate classification.
Comment: This variant is considered likely benign or benign based on one or more of the following criteria: it is a conservative change, it occurs at a poorly conserved position in the protein, it is predicted to be benign by multiple in silico algorithms, and/or has population frequency not consistent with disease.

Breast Cancer Information Core (BIC) (BRCA1)
Classification: Uncertain significance for Breast-ovarian cancer, familial 1. Last evaluated: 2002-08-23. Review status: no assertion criteria provided. Collection method: clinical testing. Allele origin: germline. Affected: yes. Observed: 1 variant allele. Not counted in ClinVar's aggregate classification.

Literature cited by the submitters: Ladopolou-et-al.,-Cancer-Lett,-185:61,-2002 (cited by Breast Cancer Information Core (BIC) (BRCA1)).